The following is an entry in ClinVar:

ClinVar aggregate classification (germline): Uncertain significance (1 of 4 stars; one submission).

gnomAD v4.1: 3 of 1,613,590 alleles (0.00019%); highest among the groups gnomAD compares: Non-Finnish European, 0.00017%; no homozygotes.

Submission:

ARUP Laboratories, Molecular Genetics and Genomics, ARUP Laboratories
Classification: Uncertain significance. Last evaluated: 2024-11-19. Review status: criteria provided, single submitter. Criteria: ARUP Molecular Germline Variant Investigation Process 2024. Collection method: clinical testing. Allele origin: germline.
Comment: The TTN c.17143G>A; p.Val5715Met variant is rare in the general population (<0.2% allele frequency in the Genome Aggregation Database) and has not been reported in the medical literature in association with dilated cardiomyopathy (DCM) or other TTN-related disease. The clinical relevance of rare missense variants in this gene, which are identified on average once per individual sequenced in affected populations (Herman 2012), is not well understood. Yet, evidence suggests that the vast majority of such missense variants do not contribute to the clinical outcome of DCM (Begay 2015). Thus, the clinical significance of the p.Val5715Met variant cannot be determined with certainty. References: Begay RL et al. Role of Titin Missense Variants in Dilated Cardiomyopathy. J Am Heart Assoc. 2015 Nov 13;4(11). PMID: 26567375. Herman DS et al. Truncations of titin causing dilated cardiomyopathy. N Engl J Med. 2012 Feb 16;366(7):619-28. PMID: 22335739.

NM_001267550.2(TTN):c.17143G>A (p.Val5715Met)

Genes: TTN (titin; minus strand), LOC126806431 (CDK7 strongly-dependent group 2 enhancer GRCh37_chr2:179595719-179596918; plus strand). Cytogenetic location: 2q31.2.
Variant type: single nucleotide variant.
Coding change: c.17143G>A on transcript NM_001267550.2 (MANE Select); coding-DNA position 17143, G replaced by A.
Protein change: p.Val5715Met; replaces valine 5715 with methionine.
Molecular consequence: missense variant. On other transcripts: intron variant (3).
Genome position (GRCh38, 1-based): chr2:178,731,732, C>T on the plus strand (G>A on the coding strand, the complement: TTN is on the minus strand). VCF-style: chr2-178731732-C-T. GRCh37 (hg19) VCF-style: chr2-179596459-C-T.
Other names: c.16192G>A, p.Val5398Met (NM_001256850.1); c.13411G>A, p.Val4471Met (NM_133378.4); c.13282+6350G>A (NM_003319.4); c.13858+6350G>A (NM_133437.4); c.13657+6350G>A (NM_133432.3); short protein forms V4471M, V5398M, V5715M.
Identifiers: ClinVar variation 3767000 (VCV003767000.1).